The following is an entry in ClinVar:

ClinVar aggregate classification (germline): Likely pathogenic (1 of 4 stars; one submission).

Submission:

Labcorp Genetics (formerly Invitae), Labcorp
Classification: Likely pathogenic. Last evaluated: 2023-07-28. Review status: criteria provided, single submitter. Criteria: Invitae Variant Classification Sherloc (09022015). Collection method: clinical testing. Allele origin: unknown.
Comment: This variant results in a copy number gain of the genomic region encompassing exon(s) 20-25 of the ABCC2 gene. While the exact position of this variant cannot be determined from the data, sub-genic copy number gains are generally in tandem (PMID: 25640679). This variant is predicted to be out-of-frame, and may result in an absent or disrupted protein product. Loss-of-function variants in ABCC2 are known to be pathogenic (PMID: 9185779, 16549534, 16952291). This variant has not been reported in the literature in individuals affected with ABCC2-related conditions. In summary, the currently available evidence indicates that the variant is pathogenic, but additional data are needed to prove that conclusively. Therefore, this variant has been classified as Likely Pathogenic.

Literature cited by the submitters: PubMed 25640679; PubMed 9185779; PubMed 16549534; PubMed 16952291.

NC_000010.10:g.(?_101590044)_(101596067_?)dup

Gene: ABCC2 (ATP binding cassette subfamily C member 2; plus strand). Cytogenetic location: 10q24.2.
Variant type: Duplication.
Identifiers: ClinVar variation 3244949 (VCV003244949.1).